The following is an entry in ClinVar:

ClinVar aggregate classification (germline): not provided (0 of 4 stars; one submission).

Conditions:
Methylmalonic aciduria due to methylmalonyl-CoA mutase deficiency (MAMM). Also called: Methylmalonic aciduria, mut type. Identifiers: Orphanet 27, MedGen C1855114, MONDO:0009612, OMIM 251000.

Allele frequency attached by ClinVar (database versions not stated): gnomAD 0.00001.
gnomAD v4.1: 1 of 1,614,046 alleles (0.000062%); highest among the groups gnomAD compares: African/African-American, 0.0013%; no homozygotes.

Submission:

GeneReviews
No classification provided. Condition: Methylmalonic aciduria due to methylmalonyl-CoA mutase deficiency. Review status: no classification provided. Collection method: literature only. Allele origin: germline. Affected: yes.
Comment: mut(-) enzymatic subtype when homozygous

Literature cited by the submitters: PubMed 16281286; NCBI Bookshelf NBK1231.

NM_000255.4(MMUT):c.2054T>G (p.Leu685Arg)

Gene: MMUT (methylmalonyl-CoA mutase; minus strand). Cytogenetic location: 6p12.3.
Variant type: single nucleotide variant.
Coding change: c.2054T>G on transcript NM_000255.4 (MANE Select); coding-DNA position 2054, T replaced by G.
Protein change: p.Leu685Arg; replaces leucine 685 with arginine.
Molecular consequence: missense variant.
Genome position (GRCh38, 1-based): chr6:49,435,526, A>C on the plus strand (T>G on the coding strand, the complement: MMUT is on the minus strand). VCF-style: chr6-49435526-A-C. GRCh37 (hg19) VCF-style: chr6-49403239-A-C.
Other names: short protein forms L685R.
Identifiers: ClinVar variation 218995 (VCV000218995.2), dbSNP rs864309739, ClinGen allele CA347887.